The following is an entry in ClinVar:

ClinVar aggregate classification (germline): Uncertain significance. Review status: criteria provided, multiple submitters, no conflicts (2 of 4 stars). 6 submissions from 6 submitters: Uncertain significance (6). Last evaluated 2025-07-01.

Conditions:
Familial thoracic aortic aneurysm and aortic dissection (TAAD). Also called: Thoracic aortic aneurysms and dissections. Identifiers: Orphanet 91387, MedGen C4707243, MONDO:0019625.

Allele frequency attached by ClinVar (database versions not stated): gnomAD exomes below 0.00001.
gnomAD v4.1: 6 of 1,614,166 alleles (0.00037%); highest among the groups gnomAD compares: Non-Finnish European, 0.00051%; no homozygotes.

Submissions (6):

Color Diagnostics, LLC DBA Color Health
Classification: Uncertain significance for Familial thoracic aortic aneurysm and aortic dissection. Last evaluated: 2025-07-01. Review status: criteria provided, single submitter. Criteria: ACMG Guidelines, 2015. Collection method: clinical testing. Allele origin: germline.
Comment: This missense variant replaces arginine with glutamine at codon 725 of the MYH11 protein. Computational prediction suggests that this variant may have a deleterious impact on protein structure and function. To our knowledge, functional studies have not been reported for this variant. This variant has not been reported in individuals affected with MYH11-related disorders in the literature. This variant has been identified in 1/251378 chromosomes in the general population by the Genome Aggregation Database (gnomAD). The available evidence is insufficient to determine the role of this variant in disease conclusively. Therefore, this variant is classified as a Variant of Uncertain Significance.

Ambry Genetics
Classification: Uncertain significance for Familial thoracic aortic aneurysm and aortic dissection. Last evaluated: 2024-11-13. Review status: criteria provided, single submitter. Criteria: Ambry Variant Classification Scheme 2023. Collection method: clinical testing. Allele origin: germline.
Comment: The p.R718Q variant (also known as c.2153G>A), located in coding exon 16 of the MYH11 gene, results from a G to A substitution at nucleotide position 2153. The arginine at codon 718 is replaced by glutamine, an amino acid with highly similar properties. This amino acid position is conserved. In addition, this alteration is predicted to be deleterious by in silico analysis. Based on the available evidence, the clinical significance of this variant remains unclear.

All of Us Research Program, National Institutes of Health
Classification: Uncertain significance for Familial thoracic aortic aneurysm and aortic dissection. Last evaluated: 2023-05-16. Review status: criteria provided, single submitter. Criteria: ACMG Guidelines, 2015. Collection method: clinical testing. Allele origin: germline. Inheritance: Autosomal dominant inheritance. Observed: 1 variant allele, 1 heterozygote.
Comment: This missense variant replaces arginine with glutamine at codon 725 of the MYH11 protein. Computational prediction suggests that this variant may have deleterious impact on protein structure and function (internally defined REVEL score threshold >= 0.7, PMID: 27666373). To our knowledge, functional studies have not been reported for this variant. This variant has not been reported in individuals affected with MYH11-related disorders in the literature. This variant has been identified in 1/251378 chromosomes in the general population by the Genome Aggregation Database (gnomAD). The available evidence is insufficient to determine the role of this variant in disease conclusively. Therefore, this variant is classified as a Variant of Uncertain Significance.

This study involves interpretation of variants in research participants for the purpose of population health screening. Participant phenotype was not available at the time of variant classification. Additional details can be found in publication PMID: 35346344, PMCID: PMC8962531

GeneDx
Classification: Uncertain significance. Last evaluated: 2022-08-01. Review status: criteria provided, single submitter. Criteria: GeneDx Variant Classification Process June 2021. Collection method: clinical testing. Allele origin: germline. Affected: yes.
Comment: Not observed at significant frequency in large population cohorts (gnomAD); In silico analysis supports that this missense variant has a deleterious effect on protein structure/function; Has not been previously published as pathogenic or benign to our knowledge

AiLife Diagnostics
Classification: Uncertain significance. Last evaluated: 2021-11-23. Review status: criteria provided, single submitter. Criteria: ACMG Guidelines, 2015. Collection method: clinical testing. Allele origin: germline. Affected: yes. Observed: 1 variant allele.

CHEO Genetics Diagnostic Laboratory, Children's Hospital of Eastern Ontario
Classification: Uncertain significance for Familial thoracic aortic aneurysm and aortic dissection. Last evaluated: 2017-05-08. Review status: criteria provided, single submitter. Criteria: ACMG Guidelines, 2015. Collection method: clinical testing. Allele origin: germline. Study: Canadian Open Genetics Repository.

NM_002474.3(MYH11):c.2153G>A (p.Arg718Gln)

Gene: MYH11 (myosin heavy chain 11; minus strand). Cytogenetic location: 16p13.11.
Variant type: single nucleotide variant.
Coding change: c.2153G>A on transcript NM_002474.3 (MANE Select); coding-DNA position 2153, G replaced by A.
Protein change: p.Arg718Gln; replaces arginine 718 with glutamine.
Molecular consequence: missense variant.
Genome position (GRCh38, 1-based): chr16:15,748,074, C>T on the plus strand (G>A on the coding strand, the complement: MYH11 is on the minus strand). VCF-style: chr16-15748074-C-T. GRCh37 (hg19) VCF-style: chr16-15841931-C-T.
Other names: c.2174G>A, p.Arg725Gln (NM_001040113.2, NM_001040114.2); c.2153G>A, p.Arg718Gln (NM_022844.3); c.2153G>A (NM_002474.2); short protein forms R725Q, R718Q.
Identifiers: ClinVar variation 626607 (VCV000626607.9), dbSNP rs1286713310, ClinGen allele CA394868011.
Genomic context (GRCh38, chr16:15,748,074, plus strand): 5'-CCTGCCCTACCTGGGCCAGACCTTGGGACTTACCGTTGGCGGAACTCCTGGAAGACGATC[C>T]GGTTGGGGAAGCCCTGCCGGCAGATGCGAATGCCTTCCAGCACCCCATTGCACCGCAGCT-3'
Protein context (NP_002465.1, residues 708-728): IRICRQGFPN[Arg718Gln]IVFQEFRQRY